The following is an entry in ClinVar:

ClinVar aggregate classification (germline): Uncertain significance. Review status: criteria provided, multiple submitters, no conflicts (2 of 4 stars). 2 submissions from 2 submitters: Uncertain significance (2). Last evaluated 2026-06-01.

Conditions:
Birk-Barel syndrome. Also called: MENTAL RETARDATION WITH HYPOTONIA AND FACIAL DYSMORPHISM; KCNK9 Imprinting Syndrome. Identifiers: Orphanet 166108, MedGen C2676770, MONDO:0012856, OMIM 612292.

Submissions (2):

CeGaT Center for Human Genetics Tuebingen
Classification: Uncertain significance. Last evaluated: 2026-06-01. Review status: criteria provided, single submitter. Criteria: CeGaT Center For Human Genetics Tuebingen Variant Classification Criteria Version 2. Collection method: clinical testing. Allele origin: germline. Affected: yes. Observed: 1 variant allele.
Comment: KCNK9: PM2, PM4

University of Washington Department of Laboratory Medicine, University of Washington
Classification: Uncertain significance for Birk-Barel syndrome. Last evaluated: 2022-11-14. Review status: criteria provided, single submitter. Criteria: ACMG Guidelines, 2015. Collection method: clinical testing. Allele origin: unknown. Affected: yes.
Comment: The p.Ser282_Pro284dup variant in the KCNK9 gene has not been previously reported in association with disease. This variant has been identified in 1/250434 chromosomes by the Genome Aggregation Database. Although this variant has been seen in the general population, its frequency is low enough to be consistent with an imprinting disorder. Using ACMG guidelines, this variant was classified as a variant of uncertain significance (ACMG evidence codes used: PM2_supporting).

NM_001282534.2(KCNK9):c.846_854dup (p.Pro284_Arg285insSerArgPro)

Gene: KCNK9 (potassium two pore domain channel subfamily K member 9; minus strand). Cytogenetic location: 8q24.3.
Variant type: Duplication.
Coding change: c.846_854dup on transcript NM_001282534.2 (MANE Select); coding-DNA positions 846 to 854, 9 bases duplicated (CCGGCCCAG; older notation c.846_854dupCCGGCCCAG).
Protein change: p.Pro284_Arg285insSerArgPro.
Molecular consequence: non-coding transcript variant (on NR_104210.2).
Genome position (GRCh38, 1-based): chr8:139,618,529-139,618,537, CTGGGCCGG duplicated on the plus strand (CCGGCCCAG on the coding strand, the reverse complement: KCNK9 is on the minus strand); duplicating any 9 consecutive bases within chr8:139,618,529-139,618,545 gives the same sequence; the c. name uses the placement nearest the transcript's 3' end. VCF-style (leftmost placement, unchanged base first): chr8-139618528-C-CCTGGGCCGG. GRCh37 (hg19) VCF-style: chr8-140630771-C-CCTGGGCCGG.
Other names: c.846_854dup (NM_001282534.1).
Identifiers: ClinVar variation 3777194 (VCV003777194.3).